The following is an entry in ClinVar:

NM_001312909.2(FAM111A):c.670G>A (p.Ala224Thr)

Gene: FAM111A (FAM111 trypsin like peptidase A; plus strand). Cytogenetic location: 11q12.1.
Variant type: single nucleotide variant.
Coding change: c.670G>A on transcript NM_001312909.2 (MANE Select); coding-DNA position 670, G replaced by A.
Protein change: p.Ala224Thr; replaces alanine 224 with threonine.
Molecular consequence: missense variant.
Genome position (GRCh38, 1-based): chr11:59,152,338, G>A. VCF-style: chr11-59152338-G-A. GRCh37 (hg19) VCF-style: chr11-58919811-G-A.
Other names: c.670G>A, p.Ala224Thr (NM_001142519.3, NM_001142520.3, NM_001142521.3 and 29 more transcripts); short protein forms A224T.
Identifiers: ClinVar variation 4697870 (VCV004697870.1).
Genomic context (GRCh38, chr11:59,152,338, plus strand): 5'-CTTCACAAAAAGGGGCGCAAACTCTGTGTTTATGCTTTCAAAGGAGAAACCATCAAGGAT[G>A]CACTGTGCAAGGATGGCAGATTTCTTTCCTTTCTGGAGAATGATGATTGGAAACTCATTG-3'
Protein context (NP_001299838.1, residues 214-234): YAFKGETIKD[Ala224Thr]LCKDGRFLSF

ClinVar aggregate classification (germline): Uncertain significance (1 of 4 stars; one submission).

Submission:

Labcorp Genetics (formerly Invitae), Labcorp
Classification: Uncertain significance. Last evaluated: 2025-11-25. Review status: criteria provided, single submitter. Criteria: Invitae Variant Classification Sherloc (09022015). Collection method: clinical testing. Allele origin: germline.
Comment: This sequence change replaces alanine, which is neutral and non-polar, with threonine, which is neutral and polar, at codon 224 of the FAM111A protein (p.Ala224Thr). This variant is present in population databases (rs749226863, gnomAD 0.03%). This variant has not been reported in the literature in individuals affected with FAM111A-related conditions. Invitae Evidence Modeling of protein sequence and biophysical properties (such as structural, functional, and spatial information, amino acid conservation, physicochemical variation, residue mobility, and thermodynamic stability) indicates that this missense variant is not expected to disrupt FAM111A protein function with a negative predictive value of 80%. In summary, the available evidence is currently insufficient to determine the role of this variant in disease. Therefore, it has been classified as a Variant of Uncertain Significance.